The following is an entry in ClinVar:

NM_021939.4(FKBP10):c.15C>A (p.Gly5=)

Gene: FKBP10 (FKBP prolyl isomerase 10; plus strand). Cytogenetic location: 17q21.2.
Variant type: single nucleotide variant.
Coding change: c.15C>A on transcript NM_021939.4 (MANE Select); coding-DNA position 15, C replaced by A.
Protein change: p.Gly5=; no amino-acid change (glycine 5 retained).
Molecular consequence: synonymous variant.
Genome position (GRCh38, 1-based): chr17:41,813,049, C>A. VCF-style: chr17-41813049-C-A. GRCh37 (hg19) VCF-style: chr17-39969301-C-A.
Other names: p.Gly5=.
Identifiers: ClinVar variation 1197422 (VCV001197422.12), dbSNP rs782670466, ClinGen allele CA8566107.

ClinVar aggregate classification (germline): Likely benign. Review status: criteria provided, multiple submitters, no conflicts (2 of 4 stars). 4 submissions from 4 submitters: Likely benign (4). Last evaluated 2025-11-13.

Allele frequency attached by ClinVar (database versions not stated): gnomAD 0.00002; ExAC 0.00023; 1000 Genomes Project 30x 0.00047.

Submissions (4):

Labcorp Genetics (formerly Invitae), Labcorp
Classification: Likely benign. Last evaluated: 2025-11-13. Review status: criteria provided, single submitter. Criteria: Invitae Variant Classification Sherloc (09022015). Collection method: clinical testing. Allele origin: germline.

Mayo Clinic Laboratories, Mayo Clinic
Classification: Likely benign. Last evaluated: 2025-05-06. Review status: criteria provided, single submitter. Criteria: ACMG Guidelines, 2015. Collection method: clinical testing. Allele origin: germline. Observed: 1 variant allele.
Comment: BP4, BP7

Blueprint Genetics
Classification: Likely benign. Last evaluated: 2024-05-28. Review status: criteria provided, single submitter. Criteria: ACMG Guidelines, 2015. Collection method: clinical testing. Allele origin: germline.

GeneDx
Classification: Likely benign. Last evaluated: 2019-02-08. Review status: criteria provided, single submitter. Criteria: GeneDx Variant Classification Process June 2021. Collection method: clinical testing. Allele origin: germline. Affected: yes.